The following is an entry in ClinVar:

NM_001414.4(EIF2B1):c.565A>G (p.Lys189Glu)

Gene: EIF2B1 (eukaryotic translation initiation factor 2B subunit alpha; minus strand). Cytogenetic location: 12q24.31.
Variant type: single nucleotide variant.
Coding change: c.565A>G on transcript NM_001414.4 (MANE Select); coding-DNA position 565, A replaced by G.
Protein change: p.Lys189Glu; replaces lysine 189 with glutamic acid.
Molecular consequence: missense variant.
Genome position (GRCh38, 1-based): chr12:123,624,849, T>C on the plus strand (A>G on the coding strand, the complement: EIF2B1 is on the minus strand). VCF-style: chr12-123624849-T-C. GRCh37 (hg19) VCF-style: chr12-124109396-T-C.
Other names: short protein forms K189E.
Identifiers: ClinVar variation 1432529 (VCV001432529.3), dbSNP rs761165037, ClinGen allele CA6860017.

ClinVar aggregate classification (germline): Uncertain significance (1 of 4 stars; one submission).

Allele frequency attached by ClinVar (database versions not stated): ExAC 0.00002; TOPMed 0.00001; gnomAD 0.00001; gnomAD exomes 0.00002.
gnomAD v4.1: 13 of 1,613,954 alleles (0.00081%); highest among the groups gnomAD compares: African/African-American, 0.0013%; no homozygotes.

Submission:

Labcorp Genetics (formerly Invitae), Labcorp
Classification: Uncertain significance. Last evaluated: 2021-08-20. Review status: criteria provided, single submitter. Criteria: Invitae Variant Classification Sherloc (09022015). Collection method: clinical testing. Allele origin: germline.
Comment: This sequence change replaces lysine with glutamic acid at codon 189 of the EIF2B1 protein (p.Lys189Glu). The lysine residue is highly conserved and there is a small physicochemical difference between lysine and glutamic acid. This variant is present in population databases (rs761165037, ExAC 0.01%). This variant has not been reported in the literature in individuals affected with EIF2B1-related conditions. Algorithms developed to predict the effect of missense changes on protein structure and function are either unavailable or do not agree on the potential impact of this missense change (SIFT: "Deleterious"; PolyPhen-2: "Benign"; Align-GVGD: "Class C0"). In summary, the available evidence is currently insufficient to determine the role of this variant in disease. Therefore, it has been classified as a Variant of Uncertain Significance.